The following is an entry in ClinVar:

ClinVar aggregate classification (germline): Uncertain significance (1 of 4 stars; one submission).

Conditions:
Gingival disorder. Also called: Gingival disease. Identifiers: MedGen C0017563, MONDO:0002021.

Allele frequency attached by ClinVar (database versions not stated): gnomAD 0.00001; ExAC 0.00002; TOPMed 0.00002.

Submission:

Labcorp Genetics (formerly Invitae), Labcorp
Classification: Uncertain significance for Gingival disorder. Last evaluated: 2025-01-23. Review status: criteria provided, single submitter. Criteria: Invitae Variant Classification Sherloc (09022015). Collection method: clinical testing. Allele origin: germline.
Comment: This sequence change replaces methionine, which is neutral and non-polar, with threonine, which is neutral and polar, at codon 82 of the FPR1 protein (p.Met82Thr). This variant is present in population databases (rs764738404, gnomAD 0.004%). This variant has not been reported in the literature in individuals affected with FPR1-related conditions. ClinVar contains an entry for this variant (Variation ID: 2060598). An algorithm developed to predict the effect of missense changes on protein structure and function (PolyPhen-2) suggests that this variant is likely to be tolerated. In summary, the available evidence is currently insufficient to determine the role of this variant in disease. Therefore, it has been classified as a Variant of Uncertain Significance.

NM_002029.4(FPR1):c.245T>C (p.Met82Thr)

Gene: FPR1 (formyl peptide receptor 1; minus strand). Cytogenetic location: 19q13.41.
Variant type: single nucleotide variant.
Coding change: c.245T>C on transcript NM_002029.4 (MANE Select); coding-DNA position 245, T replaced by C.
Protein change: p.Met82Thr; replaces methionine 82 with threonine.
Molecular consequence: missense variant.
Genome position (GRCh38, 1-based): chr19:51,746,750, A>G on the plus strand (T>C on the coding strand, the complement: FPR1 is on the minus strand). VCF-style: chr19-51746750-A-G. GRCh37 (hg19) VCF-style: chr19-52250003-A-G.
Other names: c.245T>C, p.Met82Thr (NM_001193306.2); short protein forms M82T.
Identifiers: ClinVar variation 2060598 (VCV002060598.4), dbSNP rs764738404, ClinGen allele CA9616505.
Genomic context (GRCh38, chr19:51,746,750, plus strand): 5'-AAGACGAATTTGCACAGGAACCAGCCGAAAGGCCAATGTCCTCCCATGGCCTTCCTGACC[A>G]TGAAGAATGGCAAAGTGGAGGTGAAACAGAAGTCAGCCACGGCCAGGTTCAGGTAACTGA-3'
Protein context (NP_002020.1, residues 72-92): FCFTSTLPFF[Met82Thr]VRKAMGGHWP